The following is an entry in ClinVar:

NM_000540.3(RYR1):c.9560G>A (p.Arg3187Gln)

Gene: RYR1 (ryanodine receptor 1; plus strand). Cytogenetic location: 19q13.2.
Variant type: single nucleotide variant.
Coding change: c.9560G>A on transcript NM_000540.3 (MANE Select); coding-DNA position 9560, G replaced by A.
Protein change: p.Arg3187Gln; replaces arginine 3187 with glutamine.
Molecular consequence: missense variant.
Genome position (GRCh38, 1-based): chr19:38,516,092, G>A. VCF-style: chr19-38516092-G-A. GRCh37 (hg19) VCF-style: chr19-39006732-G-A.
Other names: c.9560G>A, p.Arg3187Gln (NM_001042723.2); short protein forms R3187Q.
Identifiers: ClinVar variation 1030863 (VCV001030863.9), dbSNP rs1171145743, ClinGen allele CA405689971.

ClinVar aggregate classification (germline): Uncertain significance. Review status: criteria provided, multiple submitters, no conflicts (2 of 4 stars). 5 submissions from 5 submitters: Uncertain significance (5). Last evaluated 2026-07-07.

Conditions:
Inborn genetic diseases. Identifiers: MedGen C0950123, MeSH D030342.
RYR1-related disorder. Also called: RYR1-related condition; RYR1-related disorders. Identifiers: MedGen CN239331.
Central core myopathy (CMYO1A). Also called: Central core disease; Myopathy, central fibrillar; CONGENITAL MYOPATHY 1A, AUTOSOMAL DOMINANT, WITH SUSCEPTIBILITY TO MALIGNANT HYPERTHERMIA. Identifiers: Orphanet 597, MedGen C5830701, MONDO:0007294, OMIM 117000.
Malignant hyperthermia, susceptibility to, 1 (MHS1). Also called: Anesthesia related hyperthermia; Malignant hyperpyrexia; Fulminating hyperpyrexia; Pharmacogenic myopathy; Malignant hyperthermia suceptibility 1; RYR1-Related Malignant Hyperthermia Susceptibility. Identifiers: Orphanet 423, MedGen C2930980, MONDO:0007783, OMIM 145600.

Allele frequency attached by ClinVar (database versions not stated): TOPMed 0.00001; gnomAD 0.00001.
gnomAD v4.1: 19 of 1,548,460 alleles (0.0012%); highest among the groups gnomAD compares: East Asian, 0.015%; no homozygotes.

Submissions (5):

Ambry Genetics
Classification: Uncertain significance for Inborn genetic diseases. Last evaluated: 2026-07-07. Review status: criteria provided, single submitter. Criteria: Ambry Variant Classification Scheme 2023. Collection method: clinical testing. Allele origin: germline.
Comment: The p.R3187Q variant (also known as c.9560G>A), located in coding exon 65 of the RYR1 gene, results from a G to A substitution at nucleotide position 9560. The arginine at codon 3187 is replaced by glutamine, an amino acid with highly similar properties. This amino acid position is conserved. In addition, the in silico prediction for this alteration is inconclusive. Based on the available evidence, the clinical significance of this variant remains unclear.

Labcorp Genetics (formerly Invitae), Labcorp
Classification: Uncertain significance for RYR1-related disorder. Last evaluated: 2025-10-16. Review status: criteria provided, single submitter. Criteria: Invitae Variant Classification Sherloc (09022015). Collection method: clinical testing. Allele origin: germline.
Comment: This sequence change replaces arginine, which is basic and polar, with glutamine, which is neutral and polar, at codon 3187 of the RYR1 protein (p.Arg3187Gln). This variant is present in population databases (no rsID available, gnomAD 0.004%). This variant has not been reported in the literature in individuals affected with RYR1-related conditions. ClinVar contains an entry for this variant (Variation ID: 1030863). Invitae Evidence Modeling of protein sequence and biophysical properties (such as structural, functional, and spatial information, amino acid conservation, physicochemical variation, residue mobility, and thermodynamic stability) indicates that this missense variant is expected to disrupt RYR1 protein function with a positive predictive value of 80%. In summary, the available evidence is currently insufficient to determine the role of this variant in disease. Therefore, it has been classified as a Variant of Uncertain Significance.

All of Us Research Program, National Institutes of Health
Classification: Uncertain significance for Malignant hyperthermia, susceptibility to, 1. Last evaluated: 2024-09-23. Review status: criteria provided, single submitter. Criteria: ACMG Guidelines, 2015. Collection method: clinical testing. Allele origin: germline. Inheritance: Autosomal dominant inheritance. Observed: 7 variant alleles, 7 heterozygotes.
Comment: This missense variant replaces arginine with glutamine at codon 3187 of the RYR1 protein. Computational prediction is inconclusive regarding the impact of this variant on protein structure and function (internally defined REVEL score threshold 0.5 < inconclusive < 0.7, PMID: 27666373). To our knowledge, functional studies have not been reported for this variant. This variant has not been reported in individuals affected with RYR1-related disorders in the literature. This variant has been identified in 1/152624 chromosomes in the general population by the Genome Aggregation Database (gnomAD). The available evidence is insufficient to determine the role of this variant in disease conclusively. Therefore, this variant is classified as a Variant of Uncertain Significance.

This study involves interpretation of variants in research participants for the purpose of population health screening. Participant phenotype was not available at the time of variant classification. Additional details can be found in publication PMID: 35346344, PMCID: PMC8962531

Color Diagnostics, LLC DBA Color Health
Classification: Uncertain significance for Malignant hyperthermia, susceptibility to, 1. Last evaluated: 2024-01-30. Review status: criteria provided, single submitter. Criteria: ACMG Guidelines, 2015. Collection method: clinical testing. Allele origin: germline.
Comment: This missense variant replaces arginine with glutamine at codon 3187 of the RYR1 protein. Computational prediction is inconclusive regarding the impact of this variant on protein structure and function. To our knowledge, functional studies have not been reported for this variant. This variant has not been reported in individuals affected with RYR1-related disorders in the literature. This variant has been identified in 1/152624 chromosomes in the general population by the Genome Aggregation Database (gnomAD). The available evidence is insufficient to determine the role of this variant in disease conclusively. Therefore, this variant is classified as a Variant of Uncertain Significance.

Baylor Genetics
Classification: Uncertain significance for Central core myopathy. Last evaluated: 2019-01-17. Review status: criteria provided, single submitter. Criteria: ACMG Guidelines, 2015. Collection method: clinical testing. Allele origin: maternal. Affected: yes.
Comment: This variant was determined to be of uncertain significance according to ACMG Guidelines, 2015 [PMID:25741868].